The following is an entry in ClinVar:

ClinVar aggregate classification (germline): Likely pathogenic (1 of 4 stars; one submission).

Conditions:
NEK9-related lethal skeletal dysplasia. Also called: Lethal congenital contracture syndrome 10. Identifiers: Orphanet 464366, MedGen C5568141, MONDO:0014870, OMIM 617022.
Nevus comedonicus syndrome. Also called: Nevus comedonicus. Identifiers: Orphanet 64754, MedGen C0265987, MONDO:0014873, OMIM 617025, HP:0020154.
Arthrogryposis, Perthes disease, and upward gaze palsy. Identifiers: MedGen C3280309, MONDO:0013660, OMIM 614262.

gnomAD v4.1: 47 of 1,613,768 alleles (0.0029%); highest among the groups gnomAD compares: South Asian, 0.0044%; no homozygotes.

Submission:

Juno Genomics, Hangzhou Juno Genomics, Inc
Classification: Likely pathogenic for Arthrogryposis, Perthes disease, and upward gaze palsy; NEK9-related lethal skeletal dysplasia; Nevus comedonicus syndrome. Review status: criteria provided, single submitter. Criteria: ACMG Guidelines, 2015. Collection method: clinical testing. Allele origin: germline.
Comment: Null variant in a gene where loss of function (LOF) is a known mechanism of disease.;Absent from controls (or at extremely low frequency if recessive) in Genome Aggregation Database.

NM_033116.6(NEK9):c.2335C>T (p.Arg779Ter)

Gene: NEK9 (NIMA related kinase 9; minus strand). Cytogenetic location: 14q24.3.
Variant type: single nucleotide variant.
Coding change: c.2335C>T on transcript NM_033116.6 (MANE Select); coding-DNA position 2335, C replaced by T.
Protein change: p.Arg779Ter; replaces arginine 779 with a stop codon.
Molecular consequence: nonsense.
Genome position (GRCh38, 1-based): chr14:75,091,377, G>A on the plus strand (C>T on the coding strand, the complement: NEK9 is on the minus strand). VCF-style: chr14-75091377-G-A. GRCh37 (hg19) VCF-style: chr14-75558080-G-A.
Other names: c.2371C>T, p.Arg791Ter (NM_001329237.2); c.1981C>T, p.Arg661Ter (NM_001329238.2); short protein forms R661*, R791*, R779*.
Identifiers: ClinVar variation 5005344 (VCV005005344.2), dbSNP rs374517383.
Genomic context (GRCh38, chr14:75,091,377, plus strand): 5'-CCATGGCCTCTGTGGGACTGATTAAACCTTCCATTCCTCGGTCTGCTTCCATTGTTCCTC[G>A]GAAGCCTCCACTTGGGTCAGGAGTTTCAGATTCCTGCTGACTGTCCTCTTCTTCACCACC-3'